The following is an entry in ClinVar:

NM_001114753.3(ENG):c.915G>A (p.Met305Ile)

Gene: ENG (endoglin; minus strand). Cytogenetic location: 9q34.11.
Variant type: single nucleotide variant.
Coding change: c.915G>A on transcript NM_001114753.3 (MANE Select); coding-DNA position 915, G replaced by A.
Protein change: p.Met305Ile; replaces methionine 305 with isoleucine.
Molecular consequence: missense variant.
Genome position (GRCh38, 1-based): chr9:127,824,876, C>T on the plus strand (G>A on the coding strand, the complement: ENG is on the minus strand). VCF-style: chr9-127824876-C-T. GRCh37 (hg19) VCF-style: chr9-130587155-C-T.
Other names: c.915G>A, p.Met305Ile (NM_000118.4, NM_001406715.1); c.369G>A, p.Met123Ile (NM_001278138.2); short protein forms M123I, M305I.
Identifiers: ClinVar variation 3619018 (VCV003619018.2).
Genomic context (GRCh38, chr9:127,824,876, plus strand): 5'-AAGTGAGACAATGCTGGCCAGCGGTAGCTCCACGAAGGATGCCACAATGCTGGCATTGAG[C>T]ATCCGGGCCTCCCCCAGGAGGCCTTGAGGTGTGTCTGGGAGCTTGAAGCCACGAATGTTT-3'
Protein context (NP_001108225.1, residues 295-315): TPQGLLGEAR[Met305Ile]LNASIVASFV

ClinVar aggregate classification (germline): Uncertain significance (1 of 4 stars; one submission).

Conditions:
Hereditary hemorrhagic telangiectasia (HHT). Also called: ORW DISEASE; Osler Weber Rendu syndrome; OSLER-RENDU-WEBER DISEASE; Osler hemorrhagic telangiectasia syndrome. Identifiers: Orphanet 774, MedGen C0039445, MONDO:0019180. Disease mechanism: loss of function.

Submission:

Labcorp Genetics (formerly Invitae), Labcorp
Classification: Uncertain significance for Hereditary hemorrhagic telangiectasia. Last evaluated: 2025-06-24. Review status: criteria provided, single submitter. Criteria: Invitae Variant Classification Sherloc (09022015). Collection method: clinical testing. Allele origin: germline.
Comment: This sequence change replaces methionine, which is neutral and non-polar, with isoleucine, which is neutral and non-polar, at codon 305 of the ENG protein (p.Met305Ile). This variant is not present in population databases (gnomAD no frequency). This variant has not been reported in the literature in individuals affected with ENG-related conditions. ClinVar contains an entry for this variant (Variation ID: 3619018). Invitae Evidence Modeling of protein sequence and biophysical properties (such as structural, functional, and spatial information, amino acid conservation, physicochemical variation, residue mobility, and thermodynamic stability) indicates that this missense variant is not expected to disrupt ENG protein function with a negative predictive value of 95%. In summary, the available evidence is currently insufficient to determine the role of this variant in disease. Therefore, it has been classified as a Variant of Uncertain Significance.